The following is an entry in ClinVar:

NM_001873.4(CPE):c.169_170inv (p.Pro57Gly)

Gene: CPE (carboxypeptidase E; plus strand). Cytogenetic location: 4q32.3.
Variant type: Inversion.
Coding change: c.169_170inv on transcript NM_001873.4 (MANE Select).
Protein change: p.Pro57Gly; replaces proline 57 with glycine.
Molecular consequence: missense variant.
Genome position: GRCh38 VCF-style: chr4-165379390-CC-GG. GRCh37 (hg19) VCF-style: chr4-166300542-CC-GG.
Other names: short protein forms P57G.
Identifiers: ClinVar variation 4998677 (VCV004998677.1).

ClinVar aggregate classification (germline): Uncertain significance (1 of 4 stars; one submission).

Conditions:
CPE-related disorder. Also called: CPE-related condition.

Submission:

PreventionGenetics, part of Exact Sciences
Classification: Uncertain significance for CPE-related condition. Last evaluated: 2025-02-08. Review status: criteria provided, single submitter. Criteria: ACMG Guidelines, 2015. Collection method: clinical testing. Allele origin: germline.
Comment: The CPE c.169_170delinsGG variant is predicted to result in an in-frame deletion and insertion. To our knowledge, this variant has not been reported in the literature or in a large population database (gnomAD), indicating this variant is rare. At this time, the clinical significance of this variant is uncertain due to the absence of conclusive functional and genetic evidence.